The following is an entry in ClinVar:

ClinVar aggregate classification (germline): Uncertain significance (1 of 4 stars; one submission).

Conditions:
Epileptic encephalopathy. Identifiers: MedGen C0543888, HP:0200134.

Allele frequency attached by ClinVar (database versions not stated): gnomAD exomes below 0.00001 and 0.00001.
gnomAD v4.1: 2 of 1,612,628 alleles (0.00012%); highest among the groups gnomAD compares: Admixed American, 0.0033%; no homozygotes.

Submission:

Labcorp Genetics (formerly Invitae), Labcorp
Classification: Uncertain significance for Epileptic encephalopathy. Last evaluated: 2021-06-16. Review status: criteria provided, single submitter. Criteria: Invitae Variant Classification Sherloc (09022015). Collection method: clinical testing. Allele origin: germline.
Comment: Algorithms developed to predict the effect of missense changes on protein structure and function are either unavailable or do not agree on the potential impact of this missense change (SIFT: "Deleterious"; PolyPhen-2: "Benign"; Align-GVGD: "Class C0"). In summary, the available evidence is currently insufficient to determine the role of this variant in disease. Therefore, it has been classified as a Variant of Uncertain Significance. This variant has not been reported in the literature in individuals with FASN-related conditions. This variant is not present in population databases (ExAC no frequency). This sequence change replaces valine with leucine at codon 958 of the FASN protein (p.Val958Leu). The valine residue is highly conserved and there is a small physicochemical difference between valine and leucine.

NM_004104.5(FASN):c.2872G>T (p.Val958Leu)

Gene: FASN (fatty acid synthase; minus strand). Cytogenetic location: 17q25.3.
Variant type: single nucleotide variant.
Coding change: c.2872G>T on transcript NM_004104.5 (MANE Select); coding-DNA position 2872, G replaced by T.
Protein change: p.Val958Leu; replaces valine 958 with leucine.
Molecular consequence: missense variant.
Genome position (GRCh38, 1-based): chr17:82,087,856, C>A on the plus strand (G>T on the coding strand, the complement: FASN is on the minus strand). VCF-style: chr17-82087856-C-A. GRCh37 (hg19) VCF-style: chr17-80045732-C-A.
Other names: short protein forms V958L.
Identifiers: ClinVar variation 1387601 (VCV001387601.8), dbSNP rs1458563249, ClinGen allele CA401555575.